The following is an entry in ClinVar:

ClinVar aggregate classification (germline): Uncertain significance. Review status: criteria provided, multiple submitters, no conflicts (2 of 4 stars). 2 submissions from 2 submitters: Uncertain significance (2). Last evaluated 2022-09-22.

Conditions:
Inborn genetic diseases. Identifiers: MedGen C0950123, MeSH D030342.

Allele frequency attached by ClinVar (database versions not stated): gnomAD exomes 0.00005; ESP Exome Variant Server 0.00008; TOPMed 0.00011; ExAC 0.00012; gnomAD 0.00013; 1000 Genomes Project 30x 0.00016; 1000 Genomes Project 0.00020.
gnomAD v4.1: 88 of 1,587,902 alleles (0.0055%); highest among the groups gnomAD compares: Admixed American, 0.035%; no homozygotes.

Submissions (2):

GeneDx
Classification: Uncertain significance. Last evaluated: 2022-09-22. Review status: criteria provided, single submitter. Criteria: GeneDx Variant Classification Process June 2021. Collection method: clinical testing. Allele origin: germline. Affected: yes.
Comment: In silico analysis supports that this missense variant has a deleterious effect on protein structure/function; Has not been previously published as pathogenic or benign to our knowledge

Ambry Genetics
Classification: Uncertain significance for Inborn genetic diseases. Last evaluated: 2022-07-05. Review status: criteria provided, single submitter. Criteria: Ambry Variant Classification Scheme 2023. Collection method: clinical testing. Allele origin: germline.

NM_207361.6(FREM2):c.5377C>T (p.Arg1793Cys)

Gene: FREM2 (FRAS1 related extracellular matrix 2; plus strand). Cytogenetic location: 13q13.3.
Variant type: single nucleotide variant.
Coding change: c.5377C>T on transcript NM_207361.6 (MANE Select); coding-DNA position 5377, C replaced by T.
Protein change: p.Arg1793Cys; replaces arginine 1793 with cysteine.
Molecular consequence: missense variant.
Genome position (GRCh38, 1-based): chr13:38,764,417, C>T. VCF-style: chr13-38764417-C-T. GRCh37 (hg19) VCF-style: chr13-39338554-C-T.
Other names: short protein forms R1793C.
Identifiers: ClinVar variation 2402305 (VCV002402305.3), dbSNP rs149271434, ClinGen allele CA6955226.